The following is an entry in ClinVar:

NM_032122.5(DTNBP1):c.532G>A (p.Ala178Thr)

Gene: DTNBP1 (dystrobrevin binding protein 1; minus strand). Cytogenetic location: 6p22.3.
Variant type: single nucleotide variant.
Coding change: c.532G>A on transcript NM_032122.5 (MANE Select); coding-DNA position 532, G replaced by A.
Protein change: p.Ala178Thr; replaces alanine 178 with threonine.
Molecular consequence: missense variant. On other transcripts: non-coding transcript variant (1).
Genome position (GRCh38, 1-based): chr6:15,533,375, C>T on the plus strand (G>A on the coding strand, the complement: DTNBP1 is on the minus strand). VCF-style: chr6-15533375-C-T. GRCh37 (hg19) VCF-style: chr6-15533606-C-T.
Other names: c.289G>A, p.Ala97Thr (NM_001271667.2); c.481G>A, p.Ala161Thr (NM_001271668.2); c.427G>A, p.Ala143Thr (NM_001271669.2); c.532G>A, p.Ala178Thr (NM_183040.2); short protein forms A161T, A178T, A143T, A97T.
Identifiers: ClinVar variation 1503295 (VCV001503295.5), dbSNP rs75704383, ClinGen allele CA3643993.
Genomic context (GRCh38, chr6:15,533,375, plus strand): 5'-ACTTCTGCCGCTCCTTCAGCTTCATTTGCTGGGTGTGCTCCATTTCCAGGACCTTCTGGG[C>T]GTGCTCTGCATCTAGTTCAGCTGAGGAAACAGAATAACTGGGGTTAGGGTTTGAAAAGGG-3'
Protein context (NP_115498.2, residues 168-188): TFKAELDAEH[Ala178Thr]QKVLEMEHTQ

ClinVar aggregate classification (germline): Uncertain significance (1 of 4 stars; one submission).

gnomAD v4.1: 58 of 1,614,088 alleles (0.0036%); highest among the groups gnomAD compares: Admixed American, 0.012%; no homozygotes.

Submission:

Labcorp Genetics (formerly Invitae), Labcorp
Classification: Uncertain significance. Last evaluated: 2022-10-05. Review status: criteria provided, single submitter. Criteria: Invitae Variant Classification Sherloc (09022015). Collection method: clinical testing. Allele origin: germline.
Comment: This sequence change replaces alanine, which is neutral and non-polar, with threonine, which is neutral and polar, at codon 178 of the DTNBP1 protein (p.Ala178Thr). This variant is present in population databases (rs75704383, gnomAD 0.01%). This variant has not been reported in the literature in individuals affected with DTNBP1-related conditions. ClinVar contains an entry for this variant (Variation ID: 1503295). Advanced modeling of protein sequence and biophysical properties (such as structural, functional, and spatial information, amino acid conservation, physicochemical variation, residue mobility, and thermodynamic stability) performed at Invitae indicates that this missense variant is not expected to disrupt DTNBP1 protein function. In summary, the available evidence is currently insufficient to determine the role of this variant in disease. Therefore, it has been classified as a Variant of Uncertain Significance.